The following is an entry in ClinVar:

ClinVar aggregate classification (germline): Uncertain significance (1 of 4 stars; one submission).

Conditions:
Vici syndrome (VICIS). Identifiers: Orphanet 1493, MedGen C1855772, MONDO:0009452, OMIM 242840.

Allele frequency attached by ClinVar (database versions not stated): gnomAD exomes 0.00001.
gnomAD v4.1: 12 of 1,613,986 alleles (0.00074%); highest among the groups gnomAD compares: Non-Finnish European, 0.00093%; no homozygotes.

Submission:

Laboratorio de Genetica e Diagnostico Molecular, Hospital Israelita Albert Einstein
Classification: Uncertain significance for Vici syndrome. Last evaluated: 2023-02-02. Review status: criteria provided, single submitter. Criteria: ACMG Guidelines, 2015. Collection method: clinical testing. Allele origin: germline. Affected: yes. Observed: 1 variant allele.
Comment: ACMG classification criteria: PM2 moderated, PM3 supporting, BP4 supporting

NM_020964.3(EPG5):c.3533A>G (p.Gln1178Arg)

Gene: EPG5 (ectopic P-granules 5 autophagy tethering factor; minus strand). Cytogenetic location: 18q21.1.
Variant type: single nucleotide variant.
Coding change: c.3533A>G on transcript NM_020964.3 (MANE Select); coding-DNA position 3533, A replaced by G.
Protein change: p.Gln1178Arg; replaces glutamine 1178 with arginine.
Molecular consequence: missense variant.
Genome position (GRCh38, 1-based): chr18:45,916,058, T>C on the plus strand (A>G on the coding strand, the complement: EPG5 is on the minus strand). VCF-style: chr18-45916058-T-C. GRCh37 (hg19) VCF-style: chr18-43496023-T-C.
Other names: c.3533A>G, p.Gln1178Arg (NM_001410858.1, NM_001410859.1); short protein forms Q1178R.
Identifiers: ClinVar variation 2431367 (VCV002431367.1), dbSNP rs2511821000, ClinGen allele CA402342183.
Genomic context (GRCh38, chr18:45,916,058, plus strand): 5'-AGGTTAATTACCTTATGTTGTTGGTAGAGTAATTTCTGTATGCAGTCTTCCTGCATCAGC[T>C]GAAAAGCTGCTTTACACAAGTGGTCCATGAGGAAGAGGATAGGTTGTTCTCGGTACCAGA-3'
Protein context (NP_066015.2, residues 1168-1188): LMDHLCKAAF[Gln1178Arg]LMQEDCIQKL